The following is an entry in ClinVar:

NM_001376.5(DYNC1H1):c.6618+251A>G

Gene: DYNC1H1 (dynein cytoplasmic 1 heavy chain 1; plus strand). Cytogenetic location: 14q32.31.
Variant type: single nucleotide variant.
Coding change: c.6618+251A>G on transcript NM_001376.5 (MANE Select); 251 bases into the intron after coding-DNA position 6618, A replaced by G.
Molecular consequence: intron variant.
Genome position (GRCh38, 1-based): chr14:102,011,203, A>G. VCF-style: chr14-102011203-A-G. GRCh37 (hg19) VCF-style: chr14-102477540-A-G.
Identifiers: ClinVar variation 673840 (VCV000673840.1), dbSNP rs143190082, ClinGen allele CA267003580.

ClinVar aggregate classification (germline): Likely benign (1 of 4 stars; one submission).

Allele frequency attached by ClinVar (database versions not stated): gnomAD exomes 0.00075; gnomAD 0.00601 and 0.00654; 1000 Genomes Project 0.00619; TOPMed 0.00690; 1000 Genomes Project 30x 0.00703.
gnomAD v4.1: 1,206 of 534,916 alleles (0.23%); highest among the groups gnomAD compares: African/African-American, 2%; 16 homozygotes.

Submission:

GeneDx
Classification: Likely benign. Last evaluated: 2018-06-16. Review status: criteria provided, single submitter. Criteria: GeneDx Variant Classification (06012015). Collection method: clinical testing. Allele origin: germline. Affected: yes.
Comment: This variant is considered likely benign or benign based on one or more of the following criteria: it is a conservative change, it occurs at a poorly conserved position in the protein, it is predicted to be benign by multiple in silico algorithms, and/or has population frequency not consistent with disease.